The following is an entry in ClinVar:

ClinVar aggregate classification (germline): Uncertain significance (1 of 4 stars; one submission).

Conditions:
Atrioventricular septal defect 4 (AVSD4). Identifiers: MedGen C3280781, MONDO:0013747, OMIM 614430.

Allele frequency attached by ClinVar (database versions not stated): ExAC 0.00004; gnomAD exomes 0.00004.
gnomAD v4.1: 17 of 1,614,254 alleles (0.0011%); highest among the groups gnomAD compares: Admixed American, 0.022%; no homozygotes.

Submission:

Labcorp Genetics (formerly Invitae), Labcorp
Classification: Uncertain significance for Atrioventricular septal defect 4. Last evaluated: 2026-01-19. Review status: criteria provided, single submitter. Criteria: Invitae Variant Classification Sherloc (09022015). Collection method: clinical testing. Allele origin: germline.
Comment: This sequence change replaces proline, which is neutral and non-polar, with arginine, which is basic and polar, at codon 368 of the GATA4 protein (p.Pro368Arg). This variant is present in population databases (rs775379687, gnomAD 0.03%). This variant has not been reported in the literature in individuals affected with GATA4-related conditions. ClinVar contains an entry for this variant (Variation ID: 1424774). Invitae Evidence Modeling of protein sequence and biophysical properties (such as structural, functional, and spatial information, amino acid conservation, physicochemical variation, residue mobility, and thermodynamic stability) has been performed for this missense variant. However, the output from this modeling did not meet the statistical confidence thresholds required to predict the impact of this variant on GATA4 protein function. In summary, the available evidence is currently insufficient to determine the role of this variant in disease. Therefore, it has been classified as a Variant of Uncertain Significance.

NM_001308093.3(GATA4):c.1106C>G (p.Pro369Arg)

Gene: GATA4 (GATA binding protein 4). Cytogenetic location: 8p23.1.
Variant type: single nucleotide variant.
Coding change: c.1106C>G on transcript NM_001308093.3 (MANE Select); coding-DNA position 1106, C replaced by G.
Protein change: p.Pro369Arg; replaces proline 369 with arginine.
Molecular consequence: missense variant.
Genome position (GRCh38, 1-based): chr8:11,757,040, C>G. VCF-style: chr8-11757040-C-G. GRCh37 (hg19) VCF-style: chr8-11614549-C-G.
Other names: c.485C>G, p.Pro162Arg (NM_001308094.2, NM_001374273.1); c.359C>G, p.Pro120Arg (NM_001374274.1); c.1103C>G, p.Pro368Arg (NM_002052.5); short protein forms P162R, P368R, P369R, P120R.
Identifiers: ClinVar variation 1424774 (VCV001424774.6), dbSNP rs775379687, ClinGen allele CA4630830.